The following is an entry in ClinVar:

NM_014249.4(NR2E3):c.166G>A (p.Gly56Arg)

Gene: NR2E3 (nuclear receptor subfamily 2 group E member 3; plus strand). Cytogenetic location: 15q23.
Variant type: single nucleotide variant.
Coding change: c.166G>A on transcript NM_014249.4 (MANE Select); coding-DNA position 166, G replaced by A.
Protein change: p.Gly56Arg; replaces glycine 56 with arginine.
Molecular consequence: missense variant.
Genome position (GRCh38, 1-based): chr15:71,811,530, G>A. VCF-style: chr15-71811530-G-A. GRCh37 (hg19) VCF-style: chr15-72103870-G-A.
Other names: c.166G>A, p.Gly56Arg (NM_016346.4); short protein forms G56R.
Identifiers: ClinVar variation 5533 (VCV000005533.32), dbSNP rs121912631, ClinGen allele CA253522.

ClinVar aggregate classification (germline): Pathogenic/Likely pathogenic. Review status: criteria provided, multiple submitters, no conflicts (2 of 4 stars). 19 submissions from 19 submitters: Pathogenic (15); Likely pathogenic (1). 3 of the submissions do not count toward it. Last evaluated 2026-07-31.

Conditions:
ENHANCED S-CONE SYNDROME 1 (ESCS1). Also called: RETINOSCHISIS WITH EARLY HEMERALOPIA; FAVRE HYALOIDEORETINAL DEGENERATION. Identifiers: MedGen CN380299, OMIM 268100.
Retinitis pigmentosa 37 (RP37). Identifiers: Orphanet 791, MedGen C1970163, MONDO:0012625, OMIM 611131.
Inborn genetic diseases. Identifiers: MedGen C0950123, MeSH D030342.
NR2E3-related disorder. Also called: NR2E3-related disorders; NR2E3-related condition. Identifiers: MedGen CN239387.
Retinal dystrophy. Also called: Inherited retinal dystrophy. Identifiers: Orphanet 71862, MedGen C0854723, MeSH D058499, MONDO:0019118, HP:0000556.
Retinitis pigmentosa (RP). Identifiers: Orphanet 791, MedGen C0035334, MeSH D012174, MONDO:0019200, OMIM 268000. Inheritance: Autosomal dominant, autosomal recessive and X linked inheritance.
Retinal disorder. Also called: Retinal disorders; Retinopathies; Retinal Diseases; Retinopathy. Identifiers: MedGen C0035309, MONDO:0005283, HP:0000488.

Allele frequency attached by ClinVar (database versions not stated): gnomAD exomes below 0.00001; TOPMed below 0.00001; gnomAD 0.00001.

Submissions 1 to 15 of 19:

Ambry Genetics
Classification: Pathogenic for Inborn genetic diseases. Last evaluated: 2026-07-31. Review status: criteria provided, single submitter. Criteria: Ambry Variant Classification Scheme 2023. Collection method: clinical testing. Allele origin: germline.
Comment: The c.166G>A (p.G56R) alteration is located in exon 2 (coding exon 2) of the NR2E3 gene. This alteration results from a G to A substitution at nucleotide position 166, causing the glycine (G) at amino acid position 56 to be replaced by an arginine (R). for autosomal dominant NR2E3-related retinitis pigmentosa. This variant was not reported in population-based cohorts in the Genome Aggregation Database (gnomAD). This variant was identified in one or more individuals with features consistent with NR2E3-related retinitis pigmentosa (Midgley, 2024; Brock, 2024; Li, 2023; Schlottmann, 2023; Weisschuh, 2023; Xiao, 2023; Jespersgaard, 2019; Koyanagi, 2019; Colombo, 2018; Blanco-Kelly, 2016; Gire, 2007) and segregated with disease in at least one family (Escher, 2009; Coppieters, 2007). This amino acid position is well conserved in available vertebrate species. This alteration is predicted to be deleterious by in silico analysis. Based on the available evidence, this alteration is classified as pathogenic.

PreventionGenetics, part of Exact Sciences
Classification: Pathogenic for NR2E3-related condition. Last evaluated: 2026-07-14. Review status: criteria provided, single submitter. Criteria: ACMG Guidelines, 2015. Collection method: clinical testing. Allele origin: germline.
Comment: The NR2E3 c.166G>A variant is predicted to result in the amino acid substitution p.Gly56Arg. This variant has been reported as causative for autosomal dominant retinitis pigmentosa (see for examples: Coppieters et al. 2007. PubMed ID: 17564971; Blanco-Kelly et al. 2016. PubMed ID: 26910043; Table S1, Lin et al. 2024. PubMed ID: 38219857). A functional study using an electrophoretic mobility shift assay found that the p.Gly56Arg substitution causes the encoded protein to have a dominant negative effect (Escher et al. 2009. PubMed ID: 19006237). This variant is absent in a large population database (gnomAD), indicating it is rare. Given all the evidence, we interpret this variant as pathogenic for autosomal dominant disease.

Labcorp Genetics (formerly Invitae), Labcorp
Classification: Pathogenic. Last evaluated: 2025-10-29. Review status: criteria provided, single submitter. Criteria: Invitae Variant Classification Sherloc (09022015). Collection method: clinical testing. Allele origin: germline.
Comment: This sequence change replaces glycine with arginine at codon 56 of the NR2E3 protein (p.Gly56Arg). The glycine residue is highly conserved and there is a moderate physicochemical difference between glycine and arginine. This variant is not present in population databases (gnomAD no frequency). This missense change has been observed in individuals with autosomal dominant retinitis pigmentosa (PMID: 17564971, 17982421, 19006237, 26910043). It has also been observed to segregate with disease in related individuals. ClinVar contains an entry for this variant (Variation ID: 5533). Invitae Evidence Modeling of protein sequence and biophysical properties (such as structural, functional, and spatial information, amino acid conservation, physicochemical variation, residue mobility, and thermodynamic stability) indicates that this missense variant is expected to disrupt NR2E3 protein function with a positive predictive value of 80%. Experimental studies have shown that this missense change affects NR2E3 function (PMID: 19006237, 19823680). For these reasons, this variant has been classified as Pathogenic.

Genetics Laboratory, Great Ormond Street Hospital NHS Foundation Trust, North Thames Genomic Laboratory Hub
Classification: Pathogenic for Retinal disorders. Last evaluated: 2025-10-08. Review status: criteria provided, single submitter. Criteria: ACGS Best Practice Guidelines for Variant Classification in Rare Disease 2024 v1.2. Collection method: clinical testing. Allele origin: germline. Affected: yes.
Comment: PS4_moderate, PM2_moderate, PS3_moderate, PP1_strong

3billion
Classification: Pathogenic for Retinitis pigmentosa 37. Last evaluated: 2025-04-08. Review status: criteria provided, single submitter. Criteria: ACMG Guidelines, 2015. Collection method: clinical testing. Allele origin: germline. Affected: yes.
Comment: The variant is observed at an extremely low frequency in the gnomAD v4.1.0 dataset (total allele frequency: <0.001%). Predicted Consequence/Location: Missense variant in silico tool predictions suggest damaging effect of the variant on gene or gene product [R3Cnet: 0.99 (> 0.75, sensitivity 0.96 and precision 0.92)]. The same nucleotide change resulting in the same amino acid change has been previously reported as pathogenic/likely pathogenic with strong evidence (ClinVar ID: VCV000005533 / PMID: 17564971 / 3billion dataset). The variant has been reported to co-segregate with the disease in at least 7 similarly affected relatives/individuals in at least two unrelated families (PMID: 26910043). Therefore, this variant is classified as Pathogenic according to the recommendation of ACMG/AMP guideline.

Blueprint Genetics
Classification: Pathogenic for NR2E3-related disorders. Last evaluated: 2024-09-27. Review status: criteria provided, single submitter. Criteria: ACMG Guidelines, 2015. Collection method: clinical testing. Allele origin: germline. Affected: yes. Observed: 5 variant alleles.

Dasa
Classification: Pathogenic. Last evaluated: 2024-07-16. Review status: criteria provided, single submitter. Criteria: DASA Assertion Criteria. Collection method: clinical testing. Allele origin: germline.
Comment: NM_014249.4(NR2E3):c.166G>A (p.Gly56Arg) is a missense variant that results in the substitution of glycine with arginine. Functional evidence supports a deleterious effect on the gene or gene product (PMID: 19823680; PMID: 17564971; PMID: 19006237). This variant has been recurrently observed in individuals with related phenotype (PMID: 19823680; PMID: 17564971; PMID: 19006237). Segregation evidence has been reported in affected families. The variant is present at low frequency in population datasets. Based on the available data, this variant is classified as pathogenic.

Dept Of Ophthalmology, Nagoya University
Classification: Pathogenic for Retinal dystrophy. Last evaluated: 2023-10-01. Review status: criteria provided, single submitter. Criteria: Submitter's publication. Collection method: research. Allele origin: germline. Affected: yes.

GeneDx
Classification: Pathogenic. Last evaluated: 2022-08-04. Review status: criteria provided, single submitter. Criteria: GeneDx Variant Classification Process June 2021. Collection method: clinical testing. Allele origin: germline. Affected: yes.
Comment: Published functional studies demonstrate a damaging effect (impact on DNA binding and dimerization of transcription factor NR2E3) (PMID: 19823680, 27013732); Not observed at significant frequency in large population cohorts (gnomAD); This variant is associated with the following publications: (PMID: 19006237, 26910043, 22661467, 17982421, 32037395, 19898638, 27013732, 32531858, 29034877, 33576794, 30718709, 25326637, 33807610, 31054281, 24938718, 17564971, 19823680)

Institute of Human Genetics, University of Leipzig Medical Center
Classification: Pathogenic for Retinitis pigmentosa 37. Last evaluated: 2022-05-30. Review status: criteria provided, single submitter. Criteria: ACMG Guidelines, 2015. Collection method: clinical testing. Allele origin: unknown. Affected: yes.
Comment: _x000D_ Criteria applied: PS1, PS4, PP1_STR, PS3_MOD, PM2_SUP

Institute of Human Genetics, Univ. Regensburg, Univ. Regensburg
Classification: Pathogenic for Retinal dystrophy. Last evaluated: 2022-01-01. Review status: criteria provided, single submitter. Criteria: ACMG Guidelines, 2015. Collection method: clinical testing. Allele origin: germline. Affected: yes.

Institute of Medical Genetics and Applied Genomics, University Hospital Tübingen
Classification: Pathogenic. Last evaluated: 2020-10-23. Review status: criteria provided, single submitter. Criteria: ACMG Guidelines, 2015. Collection method: clinical testing. Allele origin: germline. Inheritance: Autosomal unknown. Affected: yes.

Eurofins Ntd Llc (ga)
Classification: Pathogenic. Last evaluated: 2015-05-18. Review status: criteria provided, single submitter. Criteria: EGL Classification Definitions 2015. Collection method: clinical testing. Allele origin: germline. Observed: 1 variant allele, 1 heterozygote.

UCLA Clinical Genomics Center, UCLA
Classification: Likely pathogenic for Retinitis pigmentosa 37. Last evaluated: 2013-02-05. Review status: criteria provided, single submitter. Criteria: Lee et al. (JAMA. 2014). Collection method: clinical testing. Allele origin: germline. Inheritance: Autosomal dominant inheritance. Affected: yes. Study: CES.

Clinical Genetics Service, Universitary Hospital 12 de Octubre
Classification: Pathogenic for Retinitis pigmentosa 37. Review status: criteria provided, single submitter. Criteria: ACMG Guidelines, 2015. Collection method: clinical testing. Allele origin: germline. Affected: yes.